The following is an entry in ClinVar:

ClinVar aggregate classification (germline): not provided (0 of 4 stars; one submission).

Submission:

Medical Genetics Unit, Ain Shams University Pediatrics Hospital
No classification provided. Review status: no classification provided. Collection method: not provided. Allele origin: not provided.
Comment: Methylmalonic aciduria

NM_000255.4(MMUT):c.-13T>A

Gene: MMUT (methylmalonyl-CoA mutase; minus strand). Cytogenetic location: 6p12.3.
Variant type: single nucleotide variant.
Coding change: c.-13T>A on transcript NM_000255.4 (MANE Select); 13 bases upstream of the start codon, T replaced by A.
Molecular consequence: 5 prime UTR variant.
Genome position (GRCh38, 1-based): chr6:49,459,479, A>T on the plus strand (T>A on the coding strand, the complement: MMUT is on the minus strand). VCF-style: chr6-49459479-A-T. GRCh37 (hg19) VCF-style: chr6-49427192-A-T.
Other names: KC594096.1.
Identifiers: ClinVar variation 100701 (VCV000100701.1), dbSNP rs483352784, ClinGen allele CA235514.